The following is an entry in ClinVar:

NM_002637.4(PHKA1):c.1759C>T (p.Arg587Ter)

Gene: PHKA1 (phosphorylase kinase regulatory subunit alpha 1; minus strand). Cytogenetic location: Xq13.1.
Variant type: single nucleotide variant.
Coding change: c.1759C>T on transcript NM_002637.4 (MANE Select); coding-DNA position 1759, C replaced by T.
Protein change: p.Arg587Ter; replaces arginine 587 with a stop codon.
Molecular consequence: nonsense.
Genome position (GRCh38, 1-based): chrX:72,627,005, G>A on the plus strand (C>T on the coding strand, the complement: PHKA1 is on the minus strand). VCF-style: chrX-72627005-G-A. GRCh37 (hg19) VCF-style: chrX-71846855-G-A.
Other names: c.1759C>T, p.Arg587Ter (NM_001122670.2, NM_001172436.2); short protein forms R587*.
Identifiers: ClinVar variation 1356420 (VCV001356420.6), dbSNP rs1157788242, ClinGen allele CA413591767.

ClinVar aggregate classification (germline): Pathogenic (1 of 4 stars; one submission).

Conditions:
Glycogen storage disease IXd (GSD9D). Also called: Muscle Phosphorylase Kinase Deficiency; GSD IXd. Identifiers: Orphanet 715, MedGen C1845151, MONDO:0010362, OMIM 300559.

Allele frequency attached by ClinVar (database versions not stated): gnomAD exomes below 0.00001 and 0.00001; TOPMed below 0.00001; gnomAD 0.00001.
gnomAD v4.1: 3 of 1,207,049 alleles (0.00025%); highest among the groups gnomAD compares: South Asian, 0.0035%; no homozygotes.

Submission:

Labcorp Genetics (formerly Invitae), Labcorp
Classification: Pathogenic for Glycogen storage disease IXd. Last evaluated: 2021-11-18. Review status: criteria provided, single submitter. Criteria: Invitae Variant Classification Sherloc (09022015). Collection method: clinical testing. Allele origin: germline.
Comment: For these reasons, this variant has been classified as Pathogenic. This variant has not been reported in the literature in individuals affected with PHKA1-related conditions. This variant is present in population databases (no rsID available, gnomAD 0.005%). This sequence change creates a premature translational stop signal (p.Arg587*) in the PHKA1 gene. It is expected to result in an absent or disrupted protein product. Loss-of-function variants in PHKA1 are known to be pathogenic (PMID: 9731190, 15637709).

Literature cited by the submitters: PubMed 9731190; PubMed 15637709.